The following is an entry in ClinVar:

NM_002691.4(POLD1):c.1891G>T (p.Gly631Cys)

Gene: POLD1 (DNA polymerase delta 1, catalytic subunit; plus strand). Cytogenetic location: 19q13.33.
Variant type: single nucleotide variant.
Coding change: c.1891G>T on transcript NM_002691.4 (MANE Select); coding-DNA position 1891, G replaced by T.
Protein change: p.Gly631Cys; replaces glycine 631 with cysteine.
Molecular consequence: missense variant. On other transcripts: non-coding transcript variant (1).
Genome position (GRCh38, 1-based): chr19:50,408,900, G>T. VCF-style: chr19-50408900-G-T. GRCh37 (hg19) VCF-style: chr19-50912157-G-T.
Other names: c.1891G>T, p.Gly631Cys (NM_001256849.1); c.1969G>T, p.Gly657Cys (NM_001308632.1); short protein forms G657C, G631C.
Identifiers: ClinVar variation 1481859 (VCV001481859.6), dbSNP rs1555791808, ClinGen allele CA406982169.

ClinVar aggregate classification (germline): Uncertain significance (1 of 4 stars; one submission).

Conditions:
POLD1-related polyposis and colorectal cancer syndrome (CRCS10). Also called: Colorectal cancer 10; COLORECTAL CANCER, SUSCEPTIBILITY TO, ON CHROMOSOME 19q; Colorectal cancer, susceptibility to, 10. Identifiers: Orphanet 220460, MedGen C2675481, MONDO:0012953, OMIM 612591.

Submission:

Labcorp Genetics (formerly Invitae), Labcorp
Classification: Uncertain significance for POLD1-related polyposis and colorectal cancer syndrome. Last evaluated: 2021-08-02. Review status: criteria provided, single submitter. Criteria: Invitae Variant Classification Sherloc (09022015). Collection method: clinical testing. Allele origin: germline.
Comment: In summary, the available evidence is currently insufficient to determine the role of this variant in disease. Therefore, it has been classified as a Variant of Uncertain Significance. Algorithms developed to predict the effect of missense changes on protein structure and function are either unavailable or do not agree on the potential impact of this missense change (SIFT: "Deleterious"; PolyPhen-2: "Probably Damaging"; Align-GVGD: "Class C15"). This variant has not been reported in the literature in individuals affected with POLD1-related conditions. This variant is not present in population databases (ExAC no frequency). This sequence change replaces glycine with cysteine at codon 631 of the POLD1 protein (p.Gly631Cys). The glycine residue is moderately conserved and there is a large physicochemical difference between glycine and cysteine.